The following is an entry in ClinVar:

NM_022455.5(NSD1):c.5758T>A (p.Cys1920Ser)

Gene: NSD1 (nuclear receptor binding SET domain protein 1; plus strand). Cytogenetic location: 5q35.3.
Variant type: single nucleotide variant.
Coding change: c.5758T>A on transcript NM_022455.5 (MANE Select); coding-DNA position 5758, T replaced by A.
Protein change: p.Cys1920Ser; replaces cysteine 1920 with serine.
Molecular consequence: missense variant.
Genome position (GRCh38, 1-based): chr5:177,280,700, T>A. VCF-style: chr5-177280700-T-A. GRCh37 (hg19) VCF-style: chr5-176707701-T-A.
Other names: c.4885T>A, p.Cys1629Ser (NM_001365684.2, NM_001409308.1, NM_001409309.1 and 1 more transcripts); c.5758T>A, p.Cys1920Ser (NM_001409301.1, NM_001409302.1, NM_001409303.1); c.5338T>A, p.Cys1780Ser (NM_001409304.1); c.5005T>A, p.Cys1669Ser (NM_001409305.1); c.4996T>A, p.Cys1666Ser (NM_001409306.1, NM_001409307.1); short protein forms C1920S, C1651S, C1666S, C1629S, C1669S, C1780S.
Identifiers: ClinVar variation 547724 (VCV000547724.3), dbSNP rs1554204122, ClinGen allele CA362313104.
Genomic context (GRCh38, chr5:177,280,700, plus strand): 5'-ACTGATGAGAACCCCTGTGGGATAGACTCTGAATGCATCAACCGCATGCTGCTCTATGAG[T>A]GCCACCCCACAGTGTGTCCTGCCGGAGGGCGCTGTCAAAACCAGTGCTTTTCCAAGCGCC-3'
Protein context (NP_071900.2, residues 1910-1930): ECINRMLLYE[Cys1920Ser]HPTVCPAGGR

ClinVar aggregate classification (germline): Likely pathogenic. Review status: criteria provided, multiple submitters, no conflicts (2 of 4 stars). 2 submissions from 2 submitters: Likely pathogenic (2). Last evaluated 2020-04-10.

Conditions:
Sotos syndrome (SOTOS). Also called: Distinctive facial appearance, overgrowth in childhood, and learning disabilities or delayed development; CEREBRAL GIGANTISM; Sotos' syndrome; CHROMOSOME 5q35 DELETION SYNDROME; SOTOS SYNDROME 1. Identifiers: Orphanet 821, MedGen C0175695, MONDO:0019349, OMIM 117550.

Submissions (2):

Johns Hopkins Genomics, Johns Hopkins University
Classification: Likely pathogenic for Sotos syndrome. Last evaluated: 2020-04-10. Review status: criteria provided, single submitter. Criteria: ACMG Guidelines, 2015. Collection method: clinical testing. Allele origin: germline.
Comment: This NSD1 variant is absent from a large population dataset. A single submitter in ClinVar classifies this variant as likely pathogenic. Three bioinformatic tools queried predict that this substitution would be damaging, and the cysteine residue at this position is evolutionarily conserved across all species assessed. As this variant is apparently de novo and consistent with this patient's clinical findings, we consider it to be likely pathogenic.

Center for Human Genetics, Inc
Classification: Likely pathogenic. Last evaluated: 2016-11-01. Review status: criteria provided, single submitter. Criteria: ACMG Guidelines, 2015. Collection method: clinical testing. Allele origin: germline. Affected: yes.